The following is an entry in ClinVar:

ClinVar aggregate classification (germline): Benign/Likely benign. Review status: criteria provided, multiple submitters, no conflicts (2 of 4 stars). 6 submissions from 6 submitters: Benign (2); Likely benign (4). Last evaluated 2026-02-01.

Conditions:
Fanconi anemia (FA). Also called: Fanconi's anemia. Identifiers: Orphanet 84, MedGen C0015625, MeSH D005199, MONDO:0019391.
Fanconi anemia complementation group F. Also called: FANCF-Related Fanconi Anemia. Identifiers: Orphanet 84, MedGen C3469526, MONDO:0011325, OMIM 603467.

Allele frequency attached by ClinVar (database versions not stated): gnomAD exomes 0.00036 and 0.00091; ExAC 0.00113; ESP Exome Variant Server 0.00300; gnomAD 0.00304 and 0.00325; 1000 Genomes Project 30x 0.00312; TOPMed 0.00352; 1000 Genomes Project 0.00379.

Submissions (6):

Labcorp Genetics (formerly Invitae), Labcorp
Classification: Benign for Fanconi anemia. Last evaluated: 2026-02-01. Review status: criteria provided, single submitter. Criteria: Invitae Variant Classification Sherloc (09022015). Collection method: clinical testing. Allele origin: germline.

CeGaT Center for Human Genetics Tuebingen
Classification: Likely benign. Last evaluated: 2025-10-01. Review status: criteria provided, single submitter. Criteria: CeGaT Center For Human Genetics Tuebingen Variant Classification Criteria Version 2. Collection method: clinical testing. Allele origin: germline. Affected: yes. Observed: 3 variant alleles.
Comment: FANCF: BP4, BP7, BS1

Blueprint Genetics
Classification: Likely benign. Last evaluated: 2024-11-21. Review status: criteria provided, single submitter. Criteria: ACMG Guidelines, 2015. Collection method: clinical testing. Allele origin: germline.

Genetic Services Laboratory, University of Chicago
Classification: Benign. Last evaluated: 2018-07-30. Review status: criteria provided, single submitter. Criteria: ACMG Guidelines, 2015. Collection method: clinical testing. Allele origin: germline. Affected: no.

Illumina Laboratory Services, Illumina
Classification: Likely benign for Fanconi anemia complementation group F. Last evaluated: 2018-01-12. Review status: criteria provided, single submitter. Criteria: ICSL Variant Classification Criteria 13 December 2019. Collection method: clinical testing. Allele origin: germline.
Comment: This variant was observed in the ICSL laboratory as part of a predisposition screen in an ostensibly healthy population. It had not been previously curated by ICSL or reported in the Human Gene Mutation Database (HGMD: prior to June 1st, 2018), and was therefore a candidate for classification through an automated scoring system. Utilizing variant allele frequency, disease prevalence and penetrance estimates, and inheritance mode, an automated score was calculated to assess if this variant is too frequent to cause the disease. Based on the score and internal cut-off values, a variant classified as likely benign is not then subjected to further curation. The score for this variant resulted in a classification of likely benign for this disease.

Breakthrough Genomics
Classification: Likely benign. Review status: criteria provided, single submitter. Criteria: ACMG Guidelines, 2015. Collection method: not provided. Allele origin: germline. Inheritance: Autosomal recessive inheritance. Affected: yes.

NM_022725.4(FANCF):c.199A>C (p.Arg67=)

Gene: FANCF (FA complementation group F; minus strand). Cytogenetic location: 11p14.3.
Variant type: single nucleotide variant.
Coding change: c.199A>C on transcript NM_022725.4 (MANE Select); coding-DNA position 199, A replaced by C.
Protein change: p.Arg67=; no amino-acid change (arginine 67 retained).
Molecular consequence: synonymous variant.
Genome position (GRCh38, 1-based): chr11:22,625,612, T>G on the plus strand (A>C on the coding strand, the complement: FANCF is on the minus strand). VCF-style: chr11-22625612-T-G. GRCh37 (hg19) VCF-style: chr11-22647158-T-G.
Identifiers: ClinVar variation 304207 (VCV000304207.33), dbSNP rs146647469, ClinGen allele CA5924404.
Genomic context (GRCh38, chr11:22,625,612, plus strand): 5'-CGAGGGCCTGGAAGTTCGCTAATCCCGGAACTGGACCCCGCCCAAAGCCGCCCTCTTGCC[T>G]CCACTGGTTGTGCAGCCGCCGCTCCAGAGCCGTGCGAATGGGGCCATGCCGACCAAAGCG-3'
Protein context (NP_073562.1, residues 57-77): ALERRLHNQW[Arg67=]QEGGFGRGPV